The following is an entry in ClinVar:

NM_020184.4(CNNM4):c.578T>A (p.Leu193Gln)

Gene: CNNM4 (cyclin and CBS domain divalent metal cation transport mediator 4; plus strand). Cytogenetic location: 2q11.2.
Variant type: single nucleotide variant.
Coding change: c.578T>A on transcript NM_020184.4 (MANE Select); coding-DNA position 578, T replaced by A.
Protein change: p.Leu193Gln; replaces leucine 193 with glutamine.
Molecular consequence: missense variant.
Genome position (GRCh38, 1-based): chr2:96,761,577, T>A. VCF-style: chr2-96761577-T-A. GRCh37 (hg19) VCF-style: chr2-97427314-T-A.
Other names: short protein forms L193Q.
Identifiers: ClinVar variation 1993401 (VCV001993401.4), dbSNP rs2469453459, ClinGen allele CA347714367.

ClinVar aggregate classification (germline): Uncertain significance (1 of 4 stars; one submission).

Submission:

Labcorp Genetics (formerly Invitae), Labcorp
Classification: Uncertain significance. Last evaluated: 2022-05-12. Review status: criteria provided, single submitter. Criteria: Invitae Variant Classification Sherloc (09022015). Collection method: clinical testing. Allele origin: germline.
Comment: In summary, the available evidence is currently insufficient to determine the role of this variant in disease. Therefore, it has been classified as a Variant of Uncertain Significance. Algorithms developed to predict the effect of missense changes on protein structure and function (SIFT, PolyPhen-2, Align-GVGD) all suggest that this variant is likely to be disruptive. This variant has not been reported in the literature in individuals affected with CNNM4-related conditions. This variant is not present in population databases (gnomAD no frequency). This sequence change replaces leucine, which is neutral and non-polar, with glutamine, which is neutral and polar, at codon 193 of the CNNM4 protein (p.Leu193Gln).